The following is an entry in ClinVar:

ClinVar aggregate classification (germline): Uncertain significance (1 of 4 stars; one submission).

gnomAD v4.1: 6 of 1,614,226 alleles (0.00037%); highest among the groups gnomAD compares: Non-Finnish European, 0.00051%; no homozygotes.

Submission:

Ambry Genetics
Classification: Uncertain significance. Last evaluated: 2026-07-07. Review status: criteria provided, single submitter. Criteria: Ambry Variant Classification Scheme 2023. Collection method: clinical testing. Allele origin: germline.
Comment: The p.Q681H variant (also known as c.2043G>T), located in coding exon 11 of the ATRIP gene, results from a G to T substitution at nucleotide position 2043. The glutamine at codon 681 is replaced by histidine, an amino acid with highly similar properties. This amino acid position is conserved. In addition, this alteration is predicted to be tolerated by in silico analysis. Based on the available evidence, the clinical significance of this variant remains unclear.

NM_130384.3(ATRIP):c.2043G>T (p.Gln681His)

Genes: ATRIP (ATR interacting protein; plus strand), ATRIP-TREX1 (ATRIP-TREX1 readthrough; plus strand). Cytogenetic location: 3p21.31.
Variant type: single nucleotide variant.
Coding change: c.2043G>T on transcript NM_130384.3 (MANE Select); coding-DNA position 2043, G replaced by T.
Protein change: p.Gln681His; replaces glutamine 681 with histidine.
Molecular consequence: missense variant. On other transcripts: non-coding transcript variant (1), intron variant (1).
Genome position (GRCh38, 1-based): chr3:48,464,650, G>T. VCF-style: chr3-48464650-G-T. GRCh37 (hg19) VCF-style: chr3-48506049-G-T.
Other names: c.1662G>T, p.Gln554His (NM_001271022.2); c.1764G>T, p.Gln588His (NM_001271023.2); c.1975-181G>T (NM_032166.4); short protein forms Q554H, Q681H, Q588H.
Identifiers: ClinVar variation 5032424 (VCV005032424.1).
Genomic context (GRCh38, chr3:48,464,650, plus strand): 5'-GCTCCTGGCTAAGCTTGGTGTGCAGAGCCCCTTGCCCCCAGTCACTGGCTCCAACTGCCA[G>T]TGTAATGTGGAGGTGAGTGGGTAGGGGCCAACAGCTGGCAGCTCTGGTGGTAAGGGGGCC-3'
Protein context (NP_569055.1, residues 671-691): PLPPVTGSNC[Gln681His]CNVEVVRALT